The following is an entry in ClinVar:

NM_001134407.3(GRIN2A):c.1069G>T (p.Val357Leu)

Gene: GRIN2A (glutamate ionotropic receptor NMDA type subunit 2A; minus strand). Cytogenetic location: 16p13.2.
Variant type: single nucleotide variant.
Coding change: c.1069G>T on transcript NM_001134407.3 (MANE Select); coding-DNA position 1069, G replaced by T.
Protein change: p.Val357Leu; replaces valine 357 with leucine.
Molecular consequence: missense variant.
Genome position (GRCh38, 1-based): chr16:9,891,039, C>A on the plus strand (G>T on the coding strand, the complement: GRIN2A is on the minus strand). VCF-style: chr16-9891039-C-A. GRCh37 (hg19) VCF-style: chr16-9984896-C-A.
Other names: c.1069G>T, p.Val357Leu (NM_000833.5, NM_001134408.2); short protein forms V357L.
Identifiers: ClinVar variation 1367580 (VCV001367580.8), dbSNP rs78929970, ClinGen allele CA394797481.

ClinVar aggregate classification (germline): Uncertain significance (1 of 4 stars; one submission).

Conditions:
Landau-Kleffner syndrome (FESD). Also called: APHASIA, ACQUIRED, WITH EPILEPSY; EPILEPSY, FOCAL, WITH SPEECH DISORDER AND WITH OR WITHOUT MENTAL RETARDATION. Identifiers: Orphanet 1945, Orphanet 725, Orphanet 98818, MedGen C0282512, MONDO:0009509, OMIM 245570.

Submission:

Labcorp Genetics (formerly Invitae), Labcorp
Classification: Uncertain significance for Landau-Kleffner syndrome. Last evaluated: 2021-07-14. Review status: criteria provided, single submitter. Criteria: Invitae Variant Classification Sherloc (09022015). Collection method: clinical testing. Allele origin: germline.
Comment: This variant is not present in population databases (ExAC no frequency). In summary, the available evidence is currently insufficient to determine the role of this variant in disease. Therefore, it has been classified as a Variant of Uncertain Significance. Advanced modeling of protein sequence and biophysical properties (such as structural, functional, and spatial information, amino acid conservation, physicochemical variation, residue mobility, and thermodynamic stability) performed at Invitae indicates that this missense variant is not expected to disrupt GRIN2A protein function. This variant has not been reported in the literature in individuals affected with GRIN2A-related conditions. This sequence change replaces valine with leucine at codon 357 of the GRIN2A protein (p.Val357Leu). The valine residue is weakly conserved and there is a small physicochemical difference between valine and leucine.